The following is an entry in ClinVar:

ClinVar aggregate classification (germline): Benign (1 of 4 stars; one submission).

Allele frequency attached by ClinVar (database versions not stated): 1000 Genomes Project 30x 0.06184; 1000 Genomes Project 0.06210; TOPMed 0.09665; gnomAD 0.10113 and 0.10170.
gnomAD v4.1: 15,362 of 151,960 alleles (10%); highest among the groups gnomAD compares: Non-Finnish European, 14%; 946 homozygotes.

Submission:

GeneDx
Classification: Benign. Last evaluated: 2018-06-14. Review status: criteria provided, single submitter. Criteria: GeneDx Variant Classification (06012015). Collection method: clinical testing. Allele origin: germline. Affected: yes.
Comment: This variant is considered likely benign or benign based on one or more of the following criteria: it is a conservative change, it occurs at a poorly conserved position in the protein, it is predicted to be benign by multiple in silico algorithms, and/or has population frequency not consistent with disease.

NM_025152.3(NUBPL):c.814+192T>C

Gene: NUBPL (NUBP iron-sulfur cluster assembly factor, mitochondrial; plus strand). Cytogenetic location: 14q12.
Variant type: single nucleotide variant.
Coding change: c.814+192T>C on transcript NM_025152.3 (MANE Select); 192 bases into the intron after coding-DNA position 814, T replaced by C.
Molecular consequence: intron variant.
Genome position (GRCh38, 1-based): chr14:31,846,783, T>C. VCF-style: chr14-31846783-T-C. GRCh37 (hg19) VCF-style: chr14-32315989-T-C.
Other names: c.526+192T>C (NM_001201573.2); c.265+192T>C (NM_001201574.2).
Identifiers: ClinVar variation 669525 (VCV000669525.1), dbSNP rs112167910, ClinGen allele CA13933818.